The following is an entry in ClinVar:

NM_138927.4(SON):c.5302G>C (p.Ala1768Pro)

Gene: SON (SON DNA and RNA binding protein; plus strand). Cytogenetic location: 21q22.11.
Variant type: single nucleotide variant.
Coding change: c.5302G>C on transcript NM_138927.4 (MANE Select); coding-DNA position 5302, G replaced by C.
Protein change: p.Ala1768Pro; replaces alanine 1768 with proline.
Molecular consequence: missense variant. On other transcripts: non-coding transcript variant (1), intron variant (1).
Genome position (GRCh38, 1-based): chr21:33,554,533, G>C. VCF-style: chr21-33554533-G-C. GRCh37 (hg19) VCF-style: chr21-34926839-G-C.
Other names: c.5302G>C, p.Ala1768Pro (NM_001291411.2, NM_001412133.1, NM_032195.3 and 2 more transcripts); c.245-2623G>C (NM_001291412.3); short protein forms A1768P.
Identifiers: ClinVar variation 1966288 (VCV001966288.5), dbSNP rs2517389719, ClinGen allele CA410164483.
Genomic context (GRCh38, chr21:33,554,533, plus strand): 5'-CTTAGAGCTGGCATTGAAGGACCTTTACTTGCAAGTGATGTTGGACGTGACAGATCTGCT[G>C]CCAGCCCGGTTGTAAGTAGTATGCCAGAAAGAGCTTCAGAGTCTTCTTCAGAGGAAAAAG-3'
Protein context (NP_620305.3, residues 1758-1778): ASDVGRDRSA[Ala1768Pro]SPVVSSMPER

ClinVar aggregate classification (germline): Uncertain significance (1 of 4 stars; one submission).

Submission:

Labcorp Genetics (formerly Invitae), Labcorp
Classification: Uncertain significance. Last evaluated: 2022-07-05. Review status: criteria provided, single submitter. Criteria: Invitae Variant Classification Sherloc (09022015). Collection method: clinical testing. Allele origin: germline.
Comment: In summary, the available evidence is currently insufficient to determine the role of this variant in disease. Therefore, it has been classified as a Variant of Uncertain Significance. Algorithms developed to predict the effect of missense changes on protein structure and function are either unavailable or do not agree on the potential impact of this missense change (SIFT: "Deleterious"; PolyPhen-2: "Probably Damaging"; Align-GVGD: "Class C0"). This variant has not been reported in the literature in individuals affected with SON-related conditions. This variant is not present in population databases (gnomAD no frequency). This sequence change replaces alanine, which is neutral and non-polar, with proline, which is neutral and non-polar, at codon 1768 of the SON protein (p.Ala1768Pro).